The following is an entry in ClinVar:

ClinVar aggregate classification (germline): Benign/Likely benign. Review status: criteria provided, multiple submitters, no conflicts (2 of 4 stars). 4 submissions from 3 submitters: Benign (1); Likely benign (3). Last evaluated 2026-02-01.

Conditions:
Perry syndrome. Also called: PARKINSONISM WITH ALVEOLAR HYPOVENTILATION AND MENTAL DEPRESSION. Identifiers: Orphanet 178509, MedGen C1868594, MONDO:0008201, OMIM 168605.
Neuronopathy, distal hereditary motor, type 7B. Also called: HMN VIIB; LOWER MOTOR NEURON DISEASE, DYNACTIN TYPE; Distal Hereditary Motor Neuronopathy Type 7B (dHMN7B); NEURONOPATHY, DISTAL HEREDITARY MOTOR, AUTOSOMAL DOMINANT 14; NEURONOPATHY, DISTAL HEREDITARY MOTOR, HARDING TYPE VIIB; NEUROPATHY, DISTAL HEREDITARY MOTOR, HARDING TYPE VIIB. Identifiers: Orphanet 139589, MedGen C1843315, MONDO:0011879, OMIM 607641.
Amyotrophic lateral sclerosis type 1 (ALS1). Also called: AMYOTROPHIC LATERAL SCLEROSIS 1, FAMILIAL. Identifiers: Orphanet 803, MedGen C1862939, MONDO:0007103, OMIM 105400.

Allele frequency attached by ClinVar (database versions not stated): ESP Exome Variant Server 0.00008; gnomAD 0.00024 and 0.00043; TOPMed 0.00028; ExAC 0.00053; gnomAD exomes 0.00056; 1000 Genomes Project 30x 0.00281; 1000 Genomes Project 0.00359.

Submissions (4):

Labcorp Genetics (formerly Invitae), Labcorp
Classification: Benign for Amyotrophic lateral sclerosis type 1; Neuronopathy, distal hereditary motor, type 7B; Perry syndrome. Last evaluated: 2026-02-01. Review status: criteria provided, single submitter. Criteria: Invitae Variant Classification Sherloc (09022015). Collection method: clinical testing. Allele origin: germline.

Blueprint Genetics
Classification: Likely benign. Last evaluated: 2024-10-17. Review status: criteria provided, single submitter. Criteria: ACMG Guidelines, 2015. Collection method: clinical testing. Allele origin: germline.

Illumina Laboratory Services, Illumina
Classification: Likely benign for Neuronopathy, distal hereditary motor, type 7B. Last evaluated: 2017-04-27. Review status: criteria provided, single submitter. Criteria: ICSL Variant Classification Criteria 13 December 2019. Collection method: clinical testing. Allele origin: germline.
Comment: This variant was observed as part of a predisposition screen in an ostensibly healthy population. A literature search was performed for the gene, cDNA change, and amino acid change (where applicable). No publications were found based on this search. Allele frequency data from public databases allowed determination this variant is unlikely to cause disease. Therefore, this variant is classified as likely benign.

Illumina Laboratory Services, Illumina
Classification: Likely benign for Perry syndrome. Last evaluated: 2017-04-27. Review status: criteria provided, single submitter. Criteria: ICSL Variant Classification Criteria 13 December 2019. Collection method: clinical testing. Allele origin: germline.
Comment: the same text as in the submission from Illumina Laboratory Services, Illumina above.

NM_004082.5(DCTN1):c.3490A>G (p.Thr1164Ala)

Gene: DCTN1 (dynactin subunit 1; minus strand). Cytogenetic location: 2p13.1.
Variant type: single nucleotide variant.
Coding change: c.3490A>G on transcript NM_004082.5 (MANE Select); coding-DNA position 3490, A replaced by G.
Protein change: p.Thr1164Ala; replaces threonine 1164 with alanine.
Molecular consequence: missense variant. On other transcripts: non-coding transcript variant (1).
Genome position (GRCh38, 1-based): chr2:74,363,033, T>C on the plus strand (A>G on the coding strand, the complement: DCTN1 is on the minus strand). VCF-style: chr2-74363033-T-C. GRCh37 (hg19) VCF-style: chr2-74590160-T-C.
Other names: c.3415A>G, p.Thr1139Ala (NM_001135040.3); c.3073A>G, p.Thr1025Ala (NM_001135041.3); c.3364A>G, p.Thr1122Ala (NM_001190836.2); c.3469A>G, p.Thr1157Ala (NM_001190837.2); c.3439A>G, p.Thr1147Ala (NM_001378991.1); c.3421A>G, p.Thr1141Ala (NM_001378992.1); c.3088A>G, p.Thr1030Ala (NM_023019.4); short protein forms T1122A, T1164A, T1030A, T1025A, T1139A, T1157A, T1141A, T1147A.
Identifiers: ClinVar variation 337074 (VCV000337074.15), dbSNP rs72466493, ClinGen allele CA1721480.